The following is an entry in ClinVar:

ClinVar aggregate classification (germline): Uncertain significance (1 of 4 stars; one submission).

Conditions:
Facioscapulohumeral muscular dystrophy 2 (FSHD2). Also called: MUSCULAR DYSTROPHY, FACIOSCAPULOHUMERAL, TYPE 1B; FACIOSCAPULOHUMERAL MUSCULAR DYSTROPHY 2, DIGENIC; FSHD2, DIGENIC. Identifiers: Orphanet 269, MedGen C1834671, MONDO:0008031, OMIM 158901.

gnomAD v4.1: 3 of 1,557,688 alleles (0.00019%); highest among the groups gnomAD compares: Non-Finnish European, 0.00026%; no homozygotes.

Submission:

Labcorp Genetics (formerly Invitae), Labcorp
Classification: Uncertain significance for Facioscapulohumeral muscular dystrophy 2. Last evaluated: 2025-02-11. Review status: criteria provided, single submitter. Criteria: Invitae Variant Classification Sherloc (09022015). Collection method: clinical testing. Allele origin: germline.
Comment: This sequence change replaces serine, which is neutral and polar, with alanine, which is neutral and non-polar, at codon 268 of the SMCHD1 protein (p.Ser268Ala). The frequency data for this variant in the population databases is considered unreliable, as metrics indicate poor data quality at this position in the gnomAD database. This variant has not been reported in the literature in individuals affected with SMCHD1-related conditions. Invitae Evidence Modeling of protein sequence and biophysical properties (such as structural, functional, and spatial information, amino acid conservation, physicochemical variation, residue mobility, and thermodynamic stability) indicates that this missense variant is expected to disrupt SMCHD1 protein function with a positive predictive value of 80%. In summary, the available evidence is currently insufficient to determine the role of this variant in disease. Therefore, it has been classified as a Variant of Uncertain Significance.

NM_015295.3(SMCHD1):c.802T>G (p.Ser268Ala)

Gene: SMCHD1 (structural maintenance of chromosomes flexible hinge domain containing 1; plus strand). Cytogenetic location: 18p11.32.
Variant type: single nucleotide variant.
Coding change: c.802T>G on transcript NM_015295.3 (MANE Select); coding-DNA position 802, T replaced by G.
Protein change: p.Ser268Ala; replaces serine 268 with alanine.
Molecular consequence: missense variant.
Genome position (GRCh38, 1-based): chr18:2,688,676, T>G. VCF-style: chr18-2688676-T-G. GRCh37 (hg19) VCF-style: chr18-2688674-T-G.
Other names: short protein forms S268A.
Identifiers: ClinVar variation 4781520 (VCV004781520.1).